The following is an entry in ClinVar:

NM_182961.4(SYNE1):c.656C>T (p.Ala219Val)

Gene: SYNE1 (spectrin repeat containing nuclear envelope protein 1; minus strand). Cytogenetic location: 6q25.2.
Variant type: single nucleotide variant.
Coding change: c.656C>T on transcript NM_182961.4 (MANE Select); coding-DNA position 656, C replaced by T.
Protein change: p.Ala219Val; replaces alanine 219 with valine.
Molecular consequence: missense variant.
Genome position (GRCh38, 1-based): chr6:152,505,323, G>A on the plus strand (C>T on the coding strand, the complement: SYNE1 is on the minus strand). VCF-style: chr6-152505323-G-A. GRCh37 (hg19) VCF-style: chr6-152826458-G-A.
Other names: c.677C>T, p.Ala226Val (NM_033071.5); short protein forms A226V, A219V.
Identifiers: ClinVar variation 285326 (VCV000285326.6), dbSNP rs886043077, ClinGen allele CA10605080.

ClinVar aggregate classification (germline): Uncertain significance. Review status: criteria provided, multiple submitters, no conflicts (2 of 4 stars). 2 submissions from 2 submitters: Uncertain significance (2). Last evaluated 2018-05-09.

Allele frequency attached by ClinVar (database versions not stated): gnomAD exomes below 0.00001.
gnomAD v4.1: 2 of 1,613,986 alleles (0.00012%); highest among the groups gnomAD compares: South Asian, 0.0022%; no homozygotes.

Submissions (2):

GeneDx
Classification: Uncertain significance. Last evaluated: 2018-05-09. Review status: criteria provided, single submitter. Criteria: GeneDx Variant Classification (06012015). Collection method: clinical testing. Allele origin: germline. Affected: yes.
Comment: The A226V variant in the SYNE1 gene has not been reported previously as a pathogenic variant, nor as a benign variant, to our knowledge. The A226V variant is not observed at a significant frequency in large population cohorts (Lek et al., 2016). In silico analyses, including protein predictors and evolutionary conservation, support a deleterious effect. However, the A226V variant is a conservative amino acid substitution, which is not likely to impact secondary protein structure as these residues share similar properties. We interpret A226V as a variant of uncertain significance.

Eurofins Ntd Llc (ga)
Classification: Uncertain significance. Last evaluated: 2016-02-23. Review status: criteria provided, single submitter. Criteria: EGL Classification Definitions 2015. Collection method: clinical testing. Allele origin: germline. Observed: 1 variant allele, 1 heterozygote.